The following is an entry in ClinVar:

NM_139057.4(ADAMTS17):c.1874C>A (p.Ala625Asp)

Gene: ADAMTS17 (ADAM metallopeptidase with thrombospondin type 1 motif 17; minus strand). Cytogenetic location: 15q26.3.
Variant type: single nucleotide variant.
Coding change: c.1874C>A on transcript NM_139057.4 (MANE Select); coding-DNA position 1874, C replaced by A.
Protein change: p.Ala625Asp; replaces alanine 625 with aspartic acid.
Molecular consequence: missense variant.
Genome position (GRCh38, 1-based): chr15:100,116,861, G>T on the plus strand (C>A on the coding strand, the complement: ADAMTS17 is on the minus strand). VCF-style: chr15-100116861-G-T. GRCh37 (hg19) VCF-style: chr15-100657066-G-T.
Other names: short protein forms A625D.
Identifiers: ClinVar variation 3674897 (VCV003674897.2).

ClinVar aggregate classification (germline): Uncertain significance (1 of 4 stars; one submission).

Submission:

Labcorp Genetics (formerly Invitae), Labcorp
Classification: Uncertain significance. Last evaluated: 2025-01-29. Review status: criteria provided, single submitter. Criteria: Invitae Variant Classification Sherloc (09022015). Collection method: clinical testing. Allele origin: germline.
Comment: This sequence change replaces alanine, which is neutral and non-polar, with aspartic acid, which is acidic and polar, at codon 625 of the ADAMTS17 protein (p.Ala625Asp). This variant is not present in population databases (gnomAD no frequency). This variant has not been reported in the literature in individuals affected with ADAMTS17-related conditions. An algorithm developed to predict the effect of missense changes on protein structure and function (PolyPhen-2) suggests that this variant is likely to be disruptive. In summary, the available evidence is currently insufficient to determine the role of this variant in disease. Therefore, it has been classified as a Variant of Uncertain Significance.